The following is an entry in ClinVar:

NM_001042492.3(NF1):c.5728T>C (p.Ser1910Pro)

Gene: NF1 (neurofibromin 1; plus strand). Cytogenetic location: 17q11.2.
Variant type: single nucleotide variant.
Coding change: c.5728T>C on transcript NM_001042492.3 (MANE Select); coding-DNA position 5728, T replaced by C.
Protein change: p.Ser1910Pro; replaces serine 1910 with proline.
Molecular consequence: missense variant.
Genome position (GRCh38, 1-based): chr17:31,330,414, T>C. VCF-style: chr17-31330414-T-C. GRCh37 (hg19) VCF-style: chr17-29657432-T-C.
Other names: c.5665T>C, p.Ser1889Pro (NM_000267.4); short protein forms S1889P, S1910P.
Identifiers: ClinVar variation 4615802 (VCV004615802.2).
Genomic context (GRCh38, chr17:31,330,414, plus strand): 5'-GGCCAGTTACTAGAGACATCAGGTTTATGTATCCCTGCCAACAACACCCTCTTTATTGTC[T>C]CTATTAGTAAGACACTGGCAGCCAATGAGCCACACCTCACGTTAGAATTTTTGGAAGAGT-3'
Protein context (NP_001035957.1, residues 1900-1920): IPANNTLFIV[Ser1910Pro]ISKTLAANEP

ClinVar aggregate classification (germline): Uncertain significance (1 of 4 stars; one submission).

Conditions:
Cardiovascular phenotype. Identifiers: MedGen CN230736.
Hereditary cancer-predisposing syndrome. Also called: Neoplastic Syndromes, Hereditary; Tumor predisposition; Hereditary Cancer Syndrome; Hereditary neoplastic syndrome. Identifiers: Orphanet 140162, MedGen C0027672, MeSH D009386, MONDO:0015356.

Submission:

Ambry Genetics
Classification: Uncertain significance for Cardiovascular phenotype; Hereditary cancer-predisposing syndrome. Last evaluated: 2026-07-29. Review status: criteria provided, single submitter. Criteria: Ambry Variant Classification Scheme 2023. Collection method: clinical testing. Allele origin: germline.
Comment: The p.S1889P variant (also known as c.5665T>C), located in coding exon 38 of the NF1 gene, results from a T to C substitution at nucleotide position 5665. The serine at codon 1889 is replaced by proline, an amino acid with similar properties. This amino acid position is conserved. In addition, this alteration is predicted to be deleterious by in silico analysis. Based on the available evidence, the clinical significance of this variant remains unclear.